The following is an entry in ClinVar:

ClinVar aggregate classification (germline): Uncertain significance (1 of 4 stars; one submission).

gnomAD v4.1: 4 of 1,612,684 alleles (0.00025%); highest among the groups gnomAD compares: Non-Finnish European, 0.00034%; no homozygotes.

Submission:

Labcorp Genetics (formerly Invitae), Labcorp
Classification: Uncertain significance. Last evaluated: 2025-12-15. Review status: criteria provided, single submitter. Criteria: Invitae Variant Classification Sherloc (09022015). Collection method: clinical testing. Allele origin: germline.
Comment: This sequence change replaces isoleucine, which is neutral and non-polar, with threonine, which is neutral and polar, at codon 304 of the DHX38 protein (p.Ile304Thr). This variant is present in population databases (rs779862354, gnomAD 0.01%). This variant has not been reported in the literature in individuals affected with DHX38-related conditions. Invitae Evidence Modeling of protein sequence and biophysical properties (such as structural, functional, and spatial information, amino acid conservation, physicochemical variation, residue mobility, and thermodynamic stability) indicates that this missense variant is not expected to disrupt DHX38 protein function with a negative predictive value of 80%. In summary, the available evidence is currently insufficient to determine the role of this variant in disease. Therefore, it has been classified as a Variant of Uncertain Significance.

NM_014003.4(DHX38):c.911T>C (p.Ile304Thr)

Gene: DHX38 (DEAH-box helicase 38; plus strand). Cytogenetic location: 16q22.2.
Variant type: single nucleotide variant.
Coding change: c.911T>C on transcript NM_014003.4 (MANE Select); coding-DNA position 911, T replaced by C.
Protein change: p.Ile304Thr; replaces isoleucine 304 with threonine.
Molecular consequence: missense variant.
Genome position (GRCh38, 1-based): chr16:72,099,231, T>C. VCF-style: chr16-72099231-T-C. GRCh37 (hg19) VCF-style: chr16-72133130-T-C.
Other names: short protein forms I304T.
Identifiers: ClinVar variation 4761005 (VCV004761005.1).
Genomic context (GRCh38, chr16:72,099,231, plus strand): 5'-GCATGGACTGACCTGCTTCCTGTGCTCCTCCAGGAAGACGTGAGGAGGGCGAAGAAGGAA[T>C]TTCATTTGACACGGAGGAGGAGCGGCAGCAGTGGGAAGATGACCAGAGGGTAAAGTTTTA-3'
Protein context (NP_054722.2, residues 294-314): RGRREEGEEG[Ile304Thr]SFDTEEERQQ